The following is an entry in ClinVar:

ClinVar aggregate classification (germline): Uncertain significance. Review status: criteria provided, multiple submitters, no conflicts (2 of 4 stars). 2 submissions from 2 submitters: Uncertain significance (2). Last evaluated 2025-02-11.

Conditions:
Inborn genetic diseases. Identifiers: MedGen C0950123, MeSH D030342.

Allele frequency attached by ClinVar (database versions not stated): gnomAD exomes below 0.00001.
gnomAD v4.1: 1 of 1,614,128 alleles (0.000062%); highest among the groups gnomAD compares: Non-Finnish European, 0.000085%; no homozygotes.

Submissions (2):

Labcorp Genetics (formerly Invitae), Labcorp
Classification: Uncertain significance. Last evaluated: 2025-02-11. Review status: criteria provided, single submitter. Criteria: Invitae Variant Classification Sherloc (09022015). Collection method: clinical testing. Allele origin: germline.
Comment: This sequence change replaces cysteine, which is neutral and slightly polar, with tyrosine, which is neutral and polar, at codon 319 of the RAD51 protein (p.Cys319Tyr). This variant is not present in population databases (gnomAD no frequency). This variant has not been reported in the literature in individuals affected with RAD51-related conditions. ClinVar contains an entry for this variant (Variation ID: 2562103). Invitae Evidence Modeling of protein sequence and biophysical properties (such as structural, functional, and spatial information, amino acid conservation, physicochemical variation, residue mobility, and thermodynamic stability) indicates that this missense variant is not expected to disrupt RAD51 protein function with a negative predictive value of 80%. In summary, the available evidence is currently insufficient to determine the role of this variant in disease. Therefore, it has been classified as a Variant of Uncertain Significance.

Ambry Genetics
Classification: Uncertain significance for Inborn genetic diseases. Last evaluated: 2023-04-14. Review status: criteria provided, single submitter. Criteria: Ambry Variant Classification Scheme 2023. Collection method: clinical testing. Allele origin: germline.
Comment: The p.C319Y variant (also known as c.956G>A), located in coding exon 9 of the RAD51 gene, results from a G to A substitution at nucleotide position 956. The cysteine at codon 319 is replaced by tyrosine, an amino acid with highly dissimilar properties. This amino acid position is conserved. In addition, this alteration is predicted to be deleterious by in silico analysis. Since supporting evidence is limited at this time, the clinical significance of this alteration remains unclear.

NM_002875.5(RAD51):c.956G>A (p.Cys319Tyr)

Gene: RAD51 (RAD51 recombinase; plus strand). Cytogenetic location: 15q15.1.
Variant type: single nucleotide variant.
Coding change: c.956G>A on transcript NM_002875.5 (MANE Select); coding-DNA position 956, G replaced by A.
Protein change: p.Cys319Tyr; replaces cysteine 319 with tyrosine.
Molecular consequence: missense variant. On other transcripts: synonymous variant (1).
Genome position (GRCh38, 1-based): chr15:40,731,114, G>A. VCF-style: chr15-40731114-G-A. GRCh37 (hg19) VCF-style: chr15-41023312-G-A.
Other names: c.959G>A, p.Cys320Tyr (NM_001164269.2, NM_133487.4); c.834G>A, p.Leu278= (NM_001164270.2); short protein forms C319Y, C320Y.
Identifiers: ClinVar variation 2562103 (VCV002562103.3), dbSNP rs2504537820, ClinGen allele CA391760940.
Genomic context (GRCh38, chr15:40,731,114, plus strand): 5'-GATTGTATCTGAGGAAAGGAAGAGGGGAAACCAGAATCTGCAAAATCTACGACTCTCCCT[G>A]TCTTCCTGAAGCTGAAGCTATGTTCGCCATTAATGCAGATGGAGTGGGAGATGCCAAAGA-3'
Protein context (NP_002866.2, residues 309-329): TRICKIYDSP[Cys319Tyr]LPEAEAMFAI